The following is an entry in ClinVar:

ClinVar aggregate classification (germline): Uncertain significance (1 of 4 stars; one submission).

Conditions:
Juvenile polyposis syndrome (JPS). Identifiers: Orphanet 2929, MedGen C0345893, MONDO:0017380, OMIM 174900.

Submission:

Labcorp Genetics (formerly Invitae), Labcorp
Classification: Uncertain significance for Juvenile polyposis syndrome. Last evaluated: 2023-02-03. Review status: criteria provided, single submitter. Criteria: Invitae Variant Classification Sherloc (09022015). Collection method: clinical testing. Allele origin: germline.
Comment: This variant results in a copy number gain of the genomic region encompassing exon(s) 3-5 of the BMPR1A gene. This region includes the initiator codon of the gene. This copy number gain extends beyond the assayed region for this gene and therefore may encompass additional genes. As the precise location of this event is unknown, it may be in tandem or it may be located elsewhere in the genome. This variant has not been reported in the literature in individuals affected with BMPR1A-related conditions. Experimental studies and prediction algorithms are not available or were not evaluated, and the functional significance of this variant is currently unknown. In summary, the available evidence is currently insufficient to determine the role of this variant in disease. Therefore, it has been classified as a Variant of Uncertain Significance.

NC_000010.10:g.(?_88635625)_(88651996_?)dup

Gene: BMPR1A (bone morphogenetic protein receptor type 1A; plus strand). Cytogenetic location: 10q23.2.
Variant type: Duplication.
Identifiers: ClinVar variation 2425069 (VCV002425069.5).